The following is an entry in ClinVar:

NM_000135.4(FANCA):c.2968G>T (p.Asp990Tyr)

Gene: FANCA (FA complementation group A; minus strand). Cytogenetic location: 16q24.3.
Variant type: single nucleotide variant.
Coding change: c.2968G>T on transcript NM_000135.4 (MANE Select); coding-DNA position 2968, G replaced by T.
Protein change: p.Asp990Tyr; replaces aspartic acid 990 with tyrosine.
Molecular consequence: missense variant.
Genome position (GRCh38, 1-based): chr16:89,758,590, C>A on the plus strand (G>T on the coding strand, the complement: FANCA is on the minus strand). VCF-style: chr16-89758590-C-A. GRCh37 (hg19) VCF-style: chr16-89824998-C-A.
Other names: c.2968G>T, p.Asp990Tyr (NM_001286167.3); short protein forms D990Y.
Identifiers: ClinVar variation 4843015 (VCV004843015.1).

ClinVar aggregate classification (germline): Uncertain significance (1 of 4 stars; one submission).

Conditions:
Inborn genetic diseases. Identifiers: MedGen C0950123, MeSH D030342.

gnomAD v4.1: 1 of 1,613,760 alleles (0.000062%); highest among the groups gnomAD compares: Non-Finnish European, 0.000085%; no homozygotes.

Submission:

Ambry Genetics
Classification: Uncertain significance for Inborn genetic diseases. Last evaluated: 2025-12-21. Review status: criteria provided, single submitter. Criteria: Ambry Variant Classification Scheme 2023. Collection method: clinical testing. Allele origin: germline.
Comment: The p.D990Y variant (also known as c.2968G>T), located in coding exon 30 of the FANCA gene, results from a G to T substitution at nucleotide position 2968. The aspartic acid at codon 990 is replaced by tyrosine, an amino acid with highly dissimilar properties. This amino acid position is conserved. In addition, this alteration is predicted to be deleterious by in silico analysis. Based on the available evidence, the clinical significance of this variant remains unclear.